The following is an entry in ClinVar:

ClinVar aggregate classification (germline): Likely benign. Review status: criteria provided, multiple submitters, no conflicts (2 of 4 stars). 2 submissions from 2 submitters: Likely benign (2). Last evaluated 2026-01-01.

Allele frequency attached by ClinVar (database versions not stated): gnomAD exomes 0.00020 and 0.00032; gnomAD 0.00022 and 0.00023; ExAC 0.00024; TOPMed 0.00024; ESP Exome Variant Server 0.00015.
gnomAD v4.1: 488 of 1,613,524 alleles (0.03%); highest among the groups gnomAD compares: Non-Finnish European, 0.038%; 2 homozygotes.

Submissions (2):

Labcorp Genetics (formerly Invitae), Labcorp
Classification: Likely benign. Last evaluated: 2026-01-01. Review status: criteria provided, single submitter. Criteria: Invitae Variant Classification Sherloc (09022015). Collection method: clinical testing. Allele origin: germline.

CeGaT Center for Human Genetics Tuebingen
Classification: Likely benign. Last evaluated: 2024-05-01. Review status: criteria provided, single submitter. Criteria: CeGaT Center For Human Genetics Tuebingen Variant Classification Criteria Version 2. Collection method: clinical testing. Allele origin: germline. Affected: yes. Observed: 1 variant allele.
Comment: CIT: BP4, BP7

NM_001206999.2(CIT):c.3360C>T (p.Ala1120=)

Gene: CIT (citron rho-interacting serine/threonine kinase; minus strand). Cytogenetic location: 12q24.23.
Variant type: single nucleotide variant.
Coding change: c.3360C>T on transcript NM_001206999.2 (MANE Select); coding-DNA position 3360, C replaced by T.
Protein change: p.Ala1120=; no amino-acid change (alanine 1120 retained).
Molecular consequence: synonymous variant.
Genome position (GRCh38, 1-based): chr12:119,730,621, G>A on the plus strand (C>T on the coding strand, the complement: CIT is on the minus strand). VCF-style: chr12-119730621-G-A. GRCh37 (hg19) VCF-style: chr12-120168426-G-A.
Other names: c.3234C>T, p.Ala1078= (NM_007174.3).
Identifiers: ClinVar variation 715308 (VCV000715308.25), dbSNP rs138923592, ClinGen allele CA6821521.
Genomic context (GRCh38, chr12:119,730,621, plus strand): 5'-AGCCTTGTGCTCCTTCACTGCCAGCTCCACCACCTGGCGAGACTCGGTGATCCGCTGATC[G>A]GCTCTCGCCCTGCCAGAAAGACACAGGTCAGCTTTTGGTAGCCCCCCAACAGCTGACCTG-3'
Protein context (NP_001193928.1, residues 1110-1130): LDTEKQSRAR[Ala1120=]DQRITESRQV